The following is an entry in ClinVar:

ClinVar aggregate classification (germline): Uncertain significance (1 of 4 stars; one submission).

Conditions:
Focal segmental glomerulosclerosis 5 (FSGS5). Identifiers: Orphanet 656, MedGen C2750475, MONDO:0013191, OMIM 613237.
Charcot-Marie-Tooth disease dominant intermediate E. Also called: CHARCOT-MARIE-TOOTH NEUROPATHY WITH FOCAL SEGMENTAL GLOMERULONEPHRITIS. Identifiers: Orphanet 93114, MedGen C4302667, MONDO:0013758, OMIM 614455.

Allele frequency attached by ClinVar (database versions not stated): TOPMed below 0.00001.
gnomAD v4.1: 1 of 1,599,036 alleles (0.000063%); highest among the groups gnomAD compares: Non-Finnish European, 0.000085%; no homozygotes.

Submission:

Labcorp Genetics (formerly Invitae), Labcorp
Classification: Uncertain significance for Charcot-Marie-Tooth disease dominant intermediate E; Focal segmental glomerulosclerosis 5. Last evaluated: 2022-01-01. Review status: criteria provided, single submitter. Criteria: Invitae Variant Classification Sherloc (09022015). Collection method: clinical testing. Allele origin: germline.
Comment: In summary, the available evidence is currently insufficient to determine the role of this variant in disease. Therefore, it has been classified as a Variant of Uncertain Significance. Algorithms developed to predict the effect of missense changes on protein structure and function are either unavailable or do not agree on the potential impact of this missense change (SIFT: "Deleterious"; PolyPhen-2: "Probably Damaging"; Align-GVGD: "Class C0"). This variant has not been reported in the literature in individuals affected with INF2-related conditions. The frequency data for this variant in the population databases is considered unreliable, as metrics indicate poor data quality at this position in the gnomAD database. This sequence change replaces serine, which is neutral and polar, with arginine, which is basic and polar, at codon 32 of the INF2 protein (p.Ser32Arg).

NM_022489.4(INF2):c.96C>A (p.Ser32Arg)

Gene: INF2 (inverted formin 2; plus strand). Cytogenetic location: 14q32.33.
Variant type: single nucleotide variant.
Coding change: c.96C>A on transcript NM_022489.4 (MANE Select); coding-DNA position 96, C replaced by A.
Protein change: p.Ser32Arg; replaces serine 32 with arginine.
Molecular consequence: missense variant.
Genome position (GRCh38, 1-based): chr14:104,701,461, C>A. VCF-style: chr14-104701461-C-A. GRCh37 (hg19) VCF-style: chr14-105167798-C-A.
Other names: c.96C>A, p.Ser32Arg (NM_001031714.4, NM_032714.3); short protein forms S32R.
Identifiers: ClinVar variation 1979056 (VCV001979056.4), dbSNP rs1354243591, ClinGen allele CA391224850.